The following is an entry in ClinVar:

NM_000059.4(BRCA2):c.632-2A>C

Gene: BRCA2 (BRCA2 DNA repair associated; plus strand). Cytogenetic location: 13q13.1.
Variant type: single nucleotide variant.
Coding change: c.632-2A>C on transcript NM_000059.4 (MANE Select); the canonical splice acceptor site of the intron before coding-DNA position 632, A replaced by C.
Molecular consequence: splice acceptor variant.
Genome position (GRCh38, 1-based): chr13:32,329,441, A>C. VCF-style: chr13-32329441-A-C. GRCh37 (hg19) VCF-style: chr13-32903578-A-C.
Other names: c.632-2A>C (NM_001406720.1, NM_001406719.1, NM_001406721.1); c.263-2A>C (NM_001406722.1).
Identifiers: ClinVar variation 409495 (VCV000409495.15), dbSNP rs397507842, ClinGen allele CA16613815.

ClinVar aggregate classification (germline): Conflicting classifications of pathogenicity. Review status: criteria provided, conflicting classifications (1 of 4 stars). 3 submissions from 3 submitters: Pathogenic (1); Likely pathogenic (1); Uncertain significance (1). Last evaluated 2024-08-29.

Conditions:
Hereditary breast ovarian cancer syndrome. Also called: Hereditary breast and ovarian cancer; Hereditary breast and/or ovarian cancer syndrome; BRCA1- and BRCA2-Associated Hereditary Breast and Ovarian Cancer; Hereditary breast and ovarian cancer syndrome; Hereditary breast and ovarian cancer syndrome (HBOC); Breast and ovarian cancer. Identifiers: Orphanet 145, MedGen C0677776, MeSH D061325, MONDO:0003582. Disease mechanism: loss of function.
Hereditary cancer-predisposing syndrome. Also called: Tumor predisposition; Hereditary Cancer Syndrome; Hereditary neoplastic syndrome; Neoplastic Syndromes, Hereditary. Identifiers: Orphanet 140162, MedGen C0027672, MeSH D009386, MONDO:0015356.

Submissions (3):

Ambry Genetics
Classification: Uncertain significance for Hereditary cancer-predisposing syndrome. Last evaluated: 2024-08-29. Review status: criteria provided, single submitter. Criteria: Ambry Variant Classification Scheme 2023. Collection method: clinical testing. Allele origin: germline.
Comment: The c.632-2A>C intronic variant results from an A to C substitution two nucleotides upstream from coding exon 7 in the BRCA2 gene. This nucleotide position is highly conserved in available vertebrate species. In silico splice site analysis predicts that this alteration will weaken the native splice acceptor site and will result in the creation or strengthening of a novel splice acceptor site. RNA experiments have shown coding exon 7 splicing alterations to express an in-frame transcript, known as 6q39_8 in the literature (Ambry internal data). This transcript has been shown to be able to perform homology directed repair in protein functional studies at a near wild-type level (Mesman, RLS et al. Genet Med 2020 08;22(8):1355-1365). Since supporting evidence is conflicting at this time, the clinical significance of this alteration remains unclear.

Quest Diagnostics Nichols Institute San Juan Capistrano
Classification: Likely pathogenic. Last evaluated: 2024-05-28. Review status: criteria provided, single submitter. Criteria: Quest Diagnostics criteria. Collection method: clinical testing. Allele origin: unknown.
Comment: The BRCA2 c.632-2A>C variant disrupts a canonical splice-acceptor site and is predicted to interfere with normal BRCA2 mRNA splicing. This variant has not been reported in individuals with BRCA2-related conditions in the published literature. This variant has not been reported in large, multi-ethnic general populations (Genome Aggregation Database). Based on the available information, this variant is classified as likely pathogenic.

Labcorp Genetics (formerly Invitae), Labcorp
Classification: Pathogenic for Hereditary breast ovarian cancer syndrome. Last evaluated: 2023-08-04. Review status: criteria provided, single submitter. Criteria: Invitae Variant Classification Sherloc (09022015). Collection method: clinical testing. Allele origin: germline.
Comment: For these reasons, this variant has been classified as Pathogenic. Studies have shown that disruption of this splice site alters mRNA splicing and is expected to lead to the loss of protein expression (PMID: 18819001, 30883759). ClinVar contains an entry for this variant (Variation ID: 409495). Disruption of this splice site has been observed in individual(s) with a personal and/or family history of breast and/or ovarian cancer (PMID: 18819001, 29446198). This variant is not present in population databases (gnomAD no frequency). This sequence change affects an acceptor splice site in intron 7 of the BRCA2 gene. RNA analysis indicates that disruption of this splice site induces altered splicing and may result in an absent or disrupted protein product.

Literature cited by the submitters: PubMed 32398771 (cited by Ambry Genetics and Quest Diagnostics Nichols Institute San Juan Capistrano); PubMed 18819001 (cited by Quest Diagnostics Nichols Institute San Juan Capistrano and Labcorp Genetics (formerly Invitae), Labcorp); PubMed 29446198 (cited by Quest Diagnostics Nichols Institute San Juan Capistrano and Labcorp Genetics (formerly Invitae), Labcorp); PubMed 30883759 (cited by Labcorp Genetics (formerly Invitae), Labcorp).